The following is an entry in ClinVar:

ClinVar aggregate classification (germline): Likely pathogenic (1 of 4 stars; one submission).

Submission:

GeneDx
Classification: Likely pathogenic. Last evaluated: 2016-05-12. Review status: criteria provided, single submitter. Criteria: GeneDx Variant Classification (06012015). Collection method: clinical testing. Allele origin: germline. Affected: yes.
Comment: The C891Y variant in the SMARCA4 gene has not been reported previously as a pathogenic variant, nor as a benign variant, to our knowledge. The C891Y variant was not observed in approximately 6500 individuals of European and African American ancestry in the NHLBI Exome Sequencing Project, indicating it is not a common benign variant in these populations. The C891Y variant is a non-conservative amino acid substitution, which is likely to impact secondary protein structure as these residues differ in polarity, charge, size and/or other properties. This substitution occurs at a position that is conserved across species. In silico analysis predicts this variant is probably damaging to the protein structure/function. The C891Y variant is a strong candidate for a pathogenic variant

NM_003072.5(SMARCA4):c.2672G>A (p.Cys891Tyr)

Gene: SMARCA4 (SWI/SNF related, matrix associated, actin dependent regulator of chromatin, subfamily a, member 4; plus strand). Cytogenetic location: 19p13.2.
Variant type: single nucleotide variant.
Coding change: c.2672G>A on transcript NM_003072.5 (MANE Select); coding-DNA position 2672, G replaced by A.
Protein change: p.Cys891Tyr; replaces cysteine 891 with tyrosine.
Molecular consequence: missense variant. On other transcripts: non-coding transcript variant (1).
Genome position (GRCh38, 1-based): chr19:11,021,780, G>A. VCF-style: chr19-11021780-G-A. GRCh37 (hg19) VCF-style: chr19-11132456-G-A.
Other names: c.2672G>A, p.Cys891Tyr (NM_001128844.3, NM_001128845.2, NM_001128846.2 and 5 more transcripts); short protein forms C891Y.
Identifiers: ClinVar variation 432165 (VCV000432165.2), dbSNP rs1555778709, ClinGen allele CA404055924.